The following is an entry in ClinVar:

ClinVar aggregate classification (germline): Benign. Review status: criteria provided, multiple submitters, no conflicts (2 of 4 stars). 6 submissions from 6 submitters: Benign (4). 2 of the submissions do not count toward it. Last evaluated 2026-02-01.

Conditions:
Hepatoencephalopathy due to combined oxidative phosphorylation defect type 1. Also called: HEPATOENCEPHALOPATHY, EARLY FATAL PROGRESSIVE. Identifiers: Orphanet 137681, MedGen C1836797, MONDO:0012191, OMIM 609060.

Allele frequency attached by ClinVar (database versions not stated): gnomAD exomes 0.00116 and 0.00306; ExAC 0.00369; 1000 Genomes Project 0.01098; gnomAD 0.01152 and 0.01234; 1000 Genomes Project 30x 0.01218; TOPMed 0.01319; ESP Exome Variant Server 0.01553.
gnomAD v4.1: 3,513 of 1,608,566 alleles (0.22%); highest among the groups gnomAD compares: African/African-American, 4%; 79 homozygotes.

Submissions (6):

Labcorp Genetics (formerly Invitae), Labcorp
Classification: Benign. Last evaluated: 2026-02-01. Review status: criteria provided, single submitter. Criteria: Invitae Variant Classification Sherloc (09022015). Collection method: clinical testing. Allele origin: germline.

Illumina Laboratory Services, Illumina
Classification: Benign for Hepatoencephalopathy due to combined oxidative phosphorylation defect type 1. Last evaluated: 2018-01-13. Review status: criteria provided, single submitter. Criteria: ICSL Variant Classification Criteria 13 December 2019. Collection method: clinical testing. Allele origin: germline.
Comment: This variant was observed in the ICSL laboratory as part of a predisposition screen in an ostensibly healthy population. It had not been previously curated by ICSL or reported in the Human Gene Mutation Database (HGMD: prior to June 1st, 2018), and was therefore a candidate for classification through an automated scoring system. Utilizing variant allele frequency, disease prevalence and penetrance estimates, and inheritance mode, an automated score was calculated to assess if this variant is too frequent to cause the disease. Based on the score and internal cut-off values, a variant classified as benign is not then subjected to further curation. The score for this variant resulted in a classification of benign for this disease.

GeneDx
Classification: Benign. Last evaluated: 2014-01-04. Review status: criteria provided, single submitter. Criteria: GeneDx Variant Classification (06012015). Collection method: clinical testing. Allele origin: germline. Affected: yes.
Comment: This variant is considered likely benign or benign based on one or more of the following criteria: it is a conservative change, it occurs at a poorly conserved position in the protein, it is predicted to be benign by multiple in silico algorithms, and/or has population frequency not consistent with disease.

Breakthrough Genomics
Classification: Benign. Review status: criteria provided, single submitter. Criteria: ACMG Guidelines, 2015. Collection method: not provided. Allele origin: germline. Inheritance: Autosomal recessive inheritance. Affected: yes.

Natera, Inc.
Classification: Benign for Combined oxidative phosphorylation deficiency 1. Last evaluated: 2020-09-16. Review status: no assertion criteria provided. Collection method: clinical testing. Allele origin: germline. Not counted in ClinVar's aggregate classification.

Mayo Clinic Laboratories, Mayo Clinic
Classification: Likely benign. Last evaluated: 2016-03-16. Review status: no assertion criteria provided. Collection method: clinical testing. Allele origin: unknown. Not counted in ClinVar's aggregate classification.

NM_024996.7(GFM1):c.1601+9G>C

Gene: GFM1 (G elongation factor mitochondrial 1; plus strand). Cytogenetic location: 3q25.32.
Variant type: single nucleotide variant.
Coding change: c.1601+9G>C on transcript NM_024996.7 (MANE Select); 9 bases into the intron after coding-DNA position 1601, G replaced by C.
Molecular consequence: intron variant.
Genome position (GRCh38, 1-based): chr3:158,666,395, G>C. VCF-style: chr3-158666395-G-C. GRCh37 (hg19) VCF-style: chr3-158384184-G-C.
Other names: c.1658+9G>C (NM_001308164.2); c.1376+9G>C (NM_001374357.1); c.1520+9G>C (NM_001374355.1); c.1484+9G>C (NM_001374356.1); c.1034+9G>C (NM_001374359.1, NM_001374360.1); c.917+9G>C (NM_001374361.1); c.1142+9G>C (NM_001374358.1); c.1601+9G>C (NM_001308166.2).
Identifiers: ClinVar variation 137463 (VCV000137463.21), dbSNP rs77186707, ClinGen allele CA291060.